The following is an entry in ClinVar:

NM_024700.4(SNIP1):c.691G>A (p.Ala231Thr)

Genes: SNIP1 (Smad nuclear interacting protein 1; minus strand), LOC126805704 (BRD4-independent group 4 enhancer GRCh37_chr1:38005292-38006491; plus strand). Cytogenetic location: 1p34.3.
Variant type: single nucleotide variant.
Coding change: c.691G>A on transcript NM_024700.4 (MANE Select); coding-DNA position 691, G replaced by A.
Protein change: p.Ala231Thr; replaces alanine 231 with threonine.
Molecular consequence: missense variant.
Genome position (GRCh38, 1-based): chr1:37,540,392, C>T on the plus strand (G>A on the coding strand, the complement: SNIP1 is on the minus strand). VCF-style: chr1-37540392-C-T. GRCh37 (hg19) VCF-style: chr1-38005993-C-T.
Other names: c.691G>A (NM_024700.2); short protein forms A231T.
Identifiers: ClinVar variation 1446061 (VCV001446061.7), dbSNP rs2148112816, ClinGen allele CA339450127.

ClinVar aggregate classification (germline): Uncertain significance. Review status: criteria provided, multiple submitters, no conflicts (2 of 4 stars). 2 submissions from 2 submitters: Uncertain significance (2). Last evaluated 2025-09-26.

Submissions (2):

Ambry Genetics
Classification: Uncertain significance. Last evaluated: 2025-09-26. Review status: criteria provided, single submitter. Criteria: Ambry Variant Classification Scheme 2023. Collection method: clinical testing. Allele origin: germline.

Labcorp Genetics (formerly Invitae), Labcorp
Classification: Uncertain significance. Last evaluated: 2021-11-02. Review status: criteria provided, single submitter. Criteria: Invitae Variant Classification Sherloc (09022015). Collection method: clinical testing. Allele origin: germline.
Comment: In summary, the available evidence is currently insufficient to determine the role of this variant in disease. Therefore, it has been classified as a Variant of Uncertain Significance. Algorithms developed to predict the effect of missense changes on protein structure and function (SIFT, PolyPhen-2, Align-GVGD) all suggest that this variant is likely to be disruptive. This variant has not been reported in the literature in individuals affected with SNIP1-related conditions. This variant is not present in population databases (gnomAD no frequency). This sequence change replaces alanine, which is neutral and non-polar, with threonine, which is neutral and polar, at codon 231 of the SNIP1 protein (p.Ala231Thr).